The following is an entry in ClinVar:

ClinVar aggregate classification (germline): Likely benign (0 of 4 stars; one submission).

Conditions:
TRIM55-related disorder. Also called: TRIM55-related condition.

Allele frequency attached by ClinVar (database versions not stated): gnomAD exomes 0.00015; ExAC 0.00055; 1000 Genomes Project 0.00120; 1000 Genomes Project 30x 0.00125; gnomAD 0.00203; TOPMed 0.00206; ESP Exome Variant Server 0.00246.
gnomAD v4.1: 534 of 1,614,082 alleles (0.033%); highest among the groups gnomAD compares: African/African-American, 0.66%; 1 homozygote.

Submission:

PreventionGenetics, part of Exact Sciences
Classification: Likely benign for TRIM55-related condition. Last evaluated: 2019-06-26. Review status: no assertion criteria provided. Collection method: clinical testing. Allele origin: germline.
Comment: This variant is classified as likely benign based on ACMG/AMP sequence variant interpretation guidelines (Richards et al. 2015 PMID: 25741868, with internal and published modifications).

NM_184085.2(TRIM55):c.501A>G (p.Arg167=)

Gene: TRIM55 (tripartite motif containing 55; plus strand). Cytogenetic location: 8q13.1.
Variant type: single nucleotide variant.
Coding change: c.501A>G on transcript NM_184085.2 (MANE Select); coding-DNA position 501, A replaced by G.
Protein change: p.Arg167=; no amino-acid change (arginine 167 retained).
Molecular consequence: synonymous variant.
Genome position (GRCh38, 1-based): chr8:66,135,149, A>G. VCF-style: chr8-66135149-A-G. GRCh37 (hg19) VCF-style: chr8-67047384-A-G.
Other names: c.501A>G, p.Arg167= (NM_033058.3, NM_184086.2, NM_184087.2).
Identifiers: ClinVar variation 3043177 (VCV003043177.2), dbSNP rs74768162, ClinGen allele CA4765684.
Genomic context (GRCh38, chr8:66,135,149, plus strand): 5'-CAAGGTGTTTGGTGCACACAAAGACTGCCAGGTGGCTCCCCTCACTCATGTGTTCCAGAG[A>G]CAGAAGGTAACAGAGCTGCTCCCTCCCTCCCGCAACCCCTCCCCATCCCCACACCTTAGG-3'
Protein context (NP_908973.1, residues 157-177): QVAPLTHVFQ[Arg167=]QKSELSDGIA